The following is an entry in ClinVar:

ClinVar aggregate classification (germline): Uncertain significance (1 of 4 stars; one submission).

Submission:

Labcorp Genetics (formerly Invitae), Labcorp
Classification: Uncertain significance. Last evaluated: 2024-10-13. Review status: criteria provided, single submitter. Criteria: Invitae Variant Classification Sherloc (09022015). Collection method: clinical testing. Allele origin: germline.
Comment: This sequence change replaces glutamic acid, which is acidic and polar, with glycine, which is neutral and non-polar, at codon 1277 of the COL11A1 protein (p.Glu1277Gly). This variant is not present in population databases (gnomAD no frequency). This variant has not been reported in the literature in individuals affected with COL11A1-related conditions. Invitae Evidence Modeling of protein sequence and biophysical properties (such as structural, functional, and spatial information, amino acid conservation, physicochemical variation, residue mobility, and thermodynamic stability) indicates that this missense variant is not expected to disrupt COL11A1 protein function with a negative predictive value of 80%. In summary, the available evidence is currently insufficient to determine the role of this variant in disease. Therefore, it has been classified as a Variant of Uncertain Significance.

NM_001854.4(COL11A1):c.3830A>G (p.Glu1277Gly)

Gene: COL11A1 (collagen type XI alpha 1 chain; minus strand). Cytogenetic location: 1p21.1.
Variant type: single nucleotide variant.
Coding change: c.3830A>G on transcript NM_001854.4 (MANE Select); coding-DNA position 3830, A replaced by G.
Protein change: p.Glu1277Gly; replaces glutamic acid 1277 with glycine.
Molecular consequence: missense variant. On other transcripts: non-coding transcript variant (1).
Genome position (GRCh38, 1-based): chr1:102,914,798, T>C on the plus strand (A>G on the coding strand, the complement: COL11A1 is on the minus strand). VCF-style: chr1-102914798-T-C. GRCh37 (hg19) VCF-style: chr1-103380354-T-C.
Other names: c.3713A>G, p.Glu1238Gly (NM_001190709.2); c.3866A>G, p.Glu1289Gly (NM_080629.3); c.3482A>G, p.Glu1161Gly (NM_080630.4); short protein forms E1161G, E1277G, E1238G, E1289G.
Identifiers: ClinVar variation 3709701 (VCV003709701.2).